The following is an entry in ClinVar:

ClinVar aggregate classification (germline): Uncertain significance (1 of 4 stars; one submission).

Submission:

Labcorp Genetics (formerly Invitae), Labcorp
Classification: Uncertain significance. Last evaluated: 2022-08-22. Review status: criteria provided, single submitter. Criteria: Invitae Variant Classification Sherloc (09022015). Collection method: clinical testing. Allele origin: germline.
Comment: In summary, the available evidence is currently insufficient to determine the role of this variant in disease. Therefore, it has been classified as a Variant of Uncertain Significance. Algorithms developed to predict the effect of missense changes on protein structure and function are either unavailable or do not agree on the potential impact of this missense change (SIFT: "Tolerated"; PolyPhen-2: "Possibly Damaging"; Align-GVGD: "Class C0"). This variant has not been reported in the literature in individuals affected with MYSM1-related conditions. This variant is not present in population databases (gnomAD no frequency). This sequence change replaces aspartic acid, which is acidic and polar, with histidine, which is basic and polar, at codon 7 of the MYSM1 protein (p.Asp7His).

NM_001085487.3(MYSM1):c.19G>C (p.Asp7His)

Genes: MYSM1 (Myb like, SWIRM and MPN domains 1; minus strand), LOC129930616 (ATAC-STARR-seq lymphoblastoid active region 1087; plus strand). Cytogenetic location: 1p32.1.
Variant type: single nucleotide variant.
Coding change: c.19G>C on transcript NM_001085487.3 (MANE Select); coding-DNA position 19, G replaced by C.
Protein change: p.Asp7His; replaces aspartic acid 7 with histidine.
Molecular consequence: missense variant.
Genome position (GRCh38, 1-based): chr1:58,700,034, C>G on the plus strand (G>C on the coding strand, the complement: MYSM1 is on the minus strand). VCF-style: chr1-58700034-C-G. GRCh37 (hg19) VCF-style: chr1-59165706-C-G.
Other names: short protein forms D7H.
Identifiers: ClinVar variation 1715621 (VCV001715621.6), dbSNP rs367989802, ClinGen allele CA340534633.
Genomic context (GRCh38, chr1:58,700,034, plus strand): 5'-CTAAGCCTCACCCTGGCTGTGCCCCCGCCGCCGCTACCACGTCCCCTTCGATATCCACAT[C>G]CGCCTCTTCAGCCGCCATGATGGGACCTGACCCCGTCCGTCCTCCCGAGAGATCCCGCGA-3'
Protein context (NP_001078956.1, residues 1-17): MAAEEA[Asp7His]VDIEGDVVAA